The following is an entry in ClinVar:

NM_001267550.2(TTN):c.106930G>C (p.Glu35644Gln)

Genes: TTN (titin; minus strand), TTN-AS1 (TTN antisense RNA 1; plus strand). Cytogenetic location: 2q31.2.
Variant type: single nucleotide variant.
Coding change: c.106930G>C on transcript NM_001267550.2 (MANE Select); coding-DNA position 106930, G replaced by C.
Protein change: p.Glu35644Gln; replaces glutamic acid 35644 with glutamine.
Molecular consequence: missense variant.
Genome position (GRCh38, 1-based): chr2:178,528,821, C>G on the plus strand (G>C on the coding strand, the complement: TTN is on the minus strand). VCF-style: chr2-178528821-C-G. GRCh37 (hg19) VCF-style: chr2-179393548-C-G.
Other names: c.102007G>C, p.Glu34003Gln (NM_001256850.1); c.79735G>C, p.Glu26579Gln (NM_003319.4); c.99226G>C, p.Glu33076Gln (NM_133378.4); c.80110G>C, p.Glu26704Gln (NM_133432.3); c.80311G>C, p.Glu26771Gln (NM_133437.4); short protein forms E26771Q, E26704Q, E26579Q, E33076Q, E34003Q, E35644Q.
Identifiers: ClinVar variation 2953522 (VCV002953522.3), dbSNP rs1331816073, ClinGen allele CA349402584.
Genomic context (GRCh38, chr2:178,528,821, plus strand): 5'-TGGTTAGGGTCTGATCGCTGCCTGAGACACCATATCGGTACTCCTCAGAGTTGGTAAGCT[C>G]TACGCCATTCAGTACCCATTTCACATCAGTGGCACCAGCAATGTTGGCTTTTAAAACCAG-3'
Protein context (NP_001254479.2, residues 35634-35654): TDVKWVLNGV[Glu35644Gln]LTNSEEYRYG

ClinVar aggregate classification (germline): Uncertain significance (1 of 4 stars; one submission).

Conditions:
Autosomal recessive limb-girdle muscular dystrophy type 2J (LGMDR10). Also called: Limb-girdle muscular dystrophy, type 2J; MUSCULAR DYSTROPHY, LIMB-GIRDLE, AUTOSOMAL RECESSIVE 10. Identifiers: Orphanet 140922, MedGen C1837342, MONDO:0012127, OMIM 608807.
Dilated cardiomyopathy 1G (CMD1G). Identifiers: Orphanet 154, MedGen C1858763, MONDO:0011400, OMIM 604145.

Submission:

Labcorp Genetics (formerly Invitae), Labcorp
Classification: Uncertain significance for Dilated cardiomyopathy 1G; Autosomal recessive limb-girdle muscular dystrophy type 2J. Last evaluated: 2023-11-03. Review status: criteria provided, single submitter. Criteria: Invitae Variant Classification Sherloc (09022015). Collection method: clinical testing. Allele origin: germline.
Comment: This sequence change replaces glutamic acid, which is acidic and polar, with glutamine, which is neutral and polar, at codon 35644 of the TTN protein (p.Glu35644Gln). This variant is not present in population databases (gnomAD no frequency). This variant has not been reported in the literature in individuals affected with TTN-related conditions. Experimental studies and prediction algorithms are not available or were not evaluated, and the functional significance of this variant is currently unknown. This variant is located in the M band of TTN (PMID: 25589632). Variants in this region may be relevant for neuromuscular disorders, but have not been definitively shown to cause cardiomyopathy (PMID: 23975875). In summary, the available evidence is currently insufficient to determine the role of this variant in disease. Therefore, it has been classified as a Variant of Uncertain Significance.

Literature cited by the submitters: PubMed 25589632; PubMed 23975875.